The following is an entry in ClinVar:

ClinVar aggregate classification (germline): Pathogenic/Likely pathogenic. Review status: criteria provided, multiple submitters, no conflicts (2 of 4 stars). 4 submissions from 4 submitters: Pathogenic (2); Likely pathogenic (2). Last evaluated 2025-04-17.

Conditions:
Polycystic kidney disease 4 (PKD4). Also called: Autosomal Recessive Polycystic Kidney Disease – PKHD1; PKD3; POLYCYSTIC KIDNEY AND HEPATIC DISEASE 1; POLYCYSTIC KIDNEY DISEASE, INFANTILE, TYPE I; POLYCYSTIC KIDNEY DISEASE 4 WITH OR WITHOUT POLYCYSTIC LIVER DISEASE. Identifiers: MedGen C4540575, MONDO:0033004, OMIM 263200.
PKHD1-related disorder. Also called: PKHD1-related condition.
Autosomal recessive polycystic kidney disease (ARPKD). Also called: AR polycystic kidney disease. Identifiers: Orphanet 731, Orphanet 8378, MedGen C0085548, MeSH D017044, MONDO:0009889.

Submissions (4):

MVZ Martinsried, Medicover Genetics
Classification: Pathogenic for Polycystic kidney disease 4. Last evaluated: 2025-04-17. Review status: criteria provided, single submitter. Criteria: ACGS Guidelines, 2020. Collection method: clinical testing. Allele origin: unknown. Observed: 1 heterozygote.

Natera, Inc.
Classification: Likely pathogenic for Autosomal recessive polycystic kidney disease. Last evaluated: 2025-03-23. Review status: criteria provided, single submitter. Criteria: Natera Variant Classification Schema (03/2026). Collection method: clinical testing. Allele origin: germline.
Comment: The c.6506_6511delGTTTGTinsC variant in PKHD1 is a frameshift variant predicted to shift the reading frame beginning at codon 2169 and leads to a stop codon 5 codons downstream. This variant is expected to result in nonsense mediated decay, truncation, or a dysfunctional protein product. This variant is rare in the general population with a frequency below the threshold expected for the associated phenotype(s). Given the available evidence, this variant is classified as Likely Pathogenic.

Blueprint Genetics
Classification: Likely pathogenic for PKHD1-related disorders. Last evaluated: 2024-09-23. Review status: criteria provided, single submitter. Criteria: ACMG Guidelines, 2015. Collection method: clinical testing. Allele origin: germline. Affected: yes. Observed: 1 variant allele.

Labcorp Genetics (formerly Invitae), Labcorp
Classification: Pathogenic for Autosomal recessive polycystic kidney disease. Last evaluated: 2023-02-20. Review status: criteria provided, single submitter. Criteria: Invitae Variant Classification Sherloc (09022015). Collection method: clinical testing. Allele origin: germline.
Comment: This sequence change creates a premature translational stop signal (p.Cys2169Serfs*5) in the PKHD1 gene. It is expected to result in an absent or disrupted protein product. Loss-of-function variants in PKHD1 are known to be pathogenic (PMID: 19940839). This variant is present in population databases (rs764409182, gnomAD 0.005%). For these reasons, this variant has been classified as Pathogenic. ClinVar contains an entry for this variant (Variation ID: 646338). This variant has not been reported in the literature in individuals affected with PKHD1-related conditions.

Literature cited by the submitters: PubMed 19940839 (cited by Labcorp Genetics (formerly Invitae), Labcorp).

NM_138694.4(PKHD1):c.6506_6511delinsC (p.Cys2169fs)

Gene: PKHD1 (PKHD1 ciliary IPT domain containing fibrocystin/polyductin; minus strand). Cytogenetic location: 6p12.2.
Variant type: Indel.
Coding change: c.6506_6511delinsC on transcript NM_138694.4 (MANE Select); coding-DNA positions 6506 to 6511, GTTTGT replaced by C.
Protein change: p.Cys2169fs; shifts the reading frame from cysteine 2169.
Molecular consequence: frameshift variant.
Genome position (GRCh38, 1-based): chr6:51,909,454-51,909,459, ACAAAC replaced by G on the plus strand (GTTTGT replaced by C on the coding strand, the reverse complement: PKHD1 is on the minus strand). VCF-style: chr6-51909454-ACAAAC-G. GRCh37 (hg19) VCF-style: chr6-51774252-ACAAAC-G.
Other names: c.6506_6511delinsC, p.Cys2169fs (NM_170724.3); c.6506_6511delGTTTGTinsC (NM_138694.4, NM_138694.3); short protein forms C2169fs.
Identifiers: ClinVar variation 3010800 (VCV003010800.6), dbSNP rs2536626103, ClinGen allele CA2740091354.
Genomic context (GRCh38, chr6:51,909,454, plus strand): 5'-ACTGAACGATCACTCTGGCTCCCATATCCCTGGATCCTAGCATCTTCTCACTCATGGAAT[ACAAAC>G]AGTGCTGCAGATTACCTGAAATGCAAAATAAAGTCCAGAGAACCTAAAGCATGTAGAACA-3'